The following is an entry in ClinVar:

ClinVar aggregate classification (germline): Uncertain significance (0 of 4 stars; one submission).

Conditions:
VCAN-related disorder. Also called: VCAN-related condition.

gnomAD v4.1: 1 of 1,613,956 alleles (0.000062%); highest among the groups gnomAD compares: Non-Finnish European, 0.000085%; no homozygotes.

Submission:

PreventionGenetics, part of Exact Sciences
Classification: Uncertain significance for VCAN-related condition. Last evaluated: 2023-10-18. Review status: no assertion criteria provided. Collection method: clinical testing. Allele origin: germline.
Comment: The VCAN c.9164T>G variant is predicted to result in the amino acid substitution p.Val3055Gly. To our knowledge, this variant has not been reported in the literature or in a large population database, indicating this variant is rare. At this time, the clinical significance of this variant is uncertain due to the absence of conclusive functional and genetic evidence.

NM_004385.5(VCAN):c.9164T>G (p.Val3055Gly)

Genes: VCAN (versican; plus strand), VCAN-AS1 (VCAN antisense RNA 1; minus strand). Cytogenetic location: 5q14.3.
Variant type: single nucleotide variant.
Coding change: c.9164T>G on transcript NM_004385.5 (MANE Select); coding-DNA position 9164, T replaced by G.
Protein change: p.Val3055Gly; replaces valine 3055 with glycine.
Molecular consequence: missense variant. On other transcripts: intron variant (2).
Genome position (GRCh38, 1-based): chr5:83,542,167, T>G. VCF-style: chr5-83542167-T-G. GRCh37 (hg19) VCF-style: chr5-82837986-T-G.
Other names: c.6203T>G, p.Val2068Gly (NM_001164097.2); c.4004-3370T>G (NM_001164098.2); c.1043-3370T>G (NM_001126336.3); short protein forms V2068G, V3055G.
Identifiers: ClinVar variation 3031823 (VCV003031823.2), dbSNP rs1747032491, ClinGen allele CA360295284.